The following is an entry in ClinVar:

NM_002016.2(FLG):c.7906G>A (p.Gly2636Ser)

Genes: CCDST (cervical cancer associated DHX9 suppressive transcript; plus strand), FLG (filaggrin; minus strand). Cytogenetic location: 1q21.3.
Variant type: single nucleotide variant.
Coding change: c.7906G>A on transcript NM_002016.2 (MANE Select); coding-DNA position 7906, G replaced by A.
Protein change: p.Gly2636Ser; replaces glycine 2636 with serine.
Molecular consequence: missense variant.
Genome position (GRCh38, 1-based): chr1:152,306,980, C>T on the plus strand (G>A on the coding strand, the complement: FLG is on the minus strand). VCF-style: chr1-152306980-C-T. GRCh37 (hg19) VCF-style: chr1-152279456-C-T.
Other names: short protein forms G2636S.
Identifiers: ClinVar variation 3067361 (VCV003067361.21), dbSNP rs138880214, ClinGen allele CA1104480.

ClinVar aggregate classification (germline): Conflicting classifications of pathogenicity. Review status: criteria provided, conflicting classifications (1 of 4 stars). 2 submissions from 2 submitters: Uncertain significance (1); Likely benign (1). Last evaluated 2025-11-25.

Conditions:
Inborn genetic diseases. Identifiers: MedGen C0950123, MeSH D030342.

Allele frequency attached by ClinVar (database versions not stated): ExAC 0.00006.

Submissions (2):

Ambry Genetics
Classification: Uncertain significance for Inborn genetic diseases. Last evaluated: 2025-11-25. Review status: criteria provided, single submitter. Criteria: Ambry Variant Classification Scheme 2023. Collection method: clinical testing. Allele origin: germline.

CeGaT Center for Human Genetics Tuebingen
Classification: Likely benign. Last evaluated: 2024-03-01. Review status: criteria provided, single submitter. Criteria: CeGaT Center For Human Genetics Tuebingen Variant Classification Criteria Version 2. Collection method: clinical testing. Allele origin: germline. Affected: yes. Observed: 3 variant alleles.
Comment: FLG: BP4